The following is an entry in ClinVar:

NM_020320.5(RARS2):c.1405delinsTCGCCCGATGTGTAGGAAGAGGCAGATAAAGAATATTGAGGCGCCATTGGCGTGAAGGTAGCGGATGATTCAGCCATAATTTACGTCTCGAGTGATGTGGGCGATTGATGAAAAGGCGGTTGAGGCGTCTGGTGAGTAGTGCATGGCTAGGAATAGTCCTGTGGTGATTTGGAGGATCAGGCAG (p.Arg469delinsSerProAspValTer)

Gene: RARS2 (arginyl-tRNA synthetase 2, mitochondrial; minus strand). Cytogenetic location: 6q15.
Variant type: Indel.
Coding change: c.1405delinsTCGCCCGATGTGTAGGAAGAGGCAGATAAAGAATATTGAGGCGCCATTGGCGTGAAGGTAGCGGATGATTCAGCCATAATTTACGTCTCGAGTGATGTGGGCGATTGATGAAAAGGCGGTTGAGGCGTCTGGTGAGTAGTGCATGGCTAGGAATAGTCCTGTGGTGATTTGGAGGATCAGGCAG on transcript NM_020320.5 (MANE Select); coding-DNA position 1405, the reference bases replaced by an inserted sequence.
Protein change: p.Arg469delinsSerProAspValTer.
Molecular consequence: nonsense. On other transcripts: non-coding transcript variant (23).
Genome position (GRCh38, 1-based): chr6:87,518,640, one base replaced. GRCh37 (hg19), VCF-style position (the base before the change): chr6:88,228,358.
Other names: c.880delinsTCGCCCGATGTGTAGGAAGAGGCAGATAAAGAATATTGAGGCGCCATTGGCGTGAAGGTAGCGGATGATTCAGCCATAATTTACGTCTCGAGTGATGTGGGCGATTGATGAAAAGGCGGTTGAGGCGTCTGGTGAGTAGTGCATGGCTAGGAATAGTCCTGTGGTGATTTGGAGGATCAGGCAG, p.Arg294delinsSerProAspValTer (NM_001350508.2, NM_001350509.2, NM_001350510.2 and 4 more transcripts); c.1405delinsTCGCCCGATGTGTAGGAAGAGGCAGATAAAGAATATTGAGGCGCCATTGGCGTGAAGGTAGCGGATGATTCAGCCATAATTTACGTCTCGAGTGATGTGGGCGATTGATGAAAAGGCGGTTGAGGCGTCTGGTGAGTAGTGCATGGCTAGGAATAGTCCTGTGGTGATTTGGAGGATCAGGCAG, p.Arg469delinsSerProAspValTer (NM_001350505.2).
Identifiers: ClinVar variation 2075125 (VCV002075125.4), dbSNP rs2483080517, ClinGen allele CA2580075958.

ClinVar aggregate classification (germline): Pathogenic (1 of 4 stars; one submission).

Submission:

Labcorp Genetics (formerly Invitae), Labcorp
Classification: Pathogenic. Last evaluated: 2022-01-05. Review status: criteria provided, single submitter. Criteria: Invitae Variant Classification Sherloc (09022015). Collection method: clinical testing. Allele origin: germline.
Comment: Algorithms developed to predict the effect of sequence changes on RNA splicing suggest that this variant may create or strengthen a splice site. For these reasons, this variant has been classified as Pathogenic. This variant has not been reported in the literature in individuals affected with RARS2-related conditions. This variant is not present in population databases (gnomAD no frequency). This sequence change creates a premature translational stop signal (p.Arg469delinsSerProAspVal*) in the RARS2 gene. It is expected to result in an absent or disrupted protein product. Loss-of-function variants in RARS2 are known to be pathogenic (PMID: 17847012, 22569581, 26083569).

Literature cited by the submitters: PubMed 17847012; PubMed 22569581; PubMed 26083569.